The following is an entry in ClinVar:

ClinVar aggregate classification (germline): Uncertain significance (1 of 4 stars; one submission).

Conditions:
INSL3-related disorder. Also called: INSL3-related condition.

gnomAD v4.1: 2,027 of 1,548,366 alleles (0.13%); highest among the groups gnomAD compares: Non-Finnish European, 0.16%; 4 homozygotes.

Submission:

PreventionGenetics, part of Exact Sciences
Classification: Uncertain significance for INSL3-related condition. Last evaluated: 2025-11-13. Review status: criteria provided, single submitter. Criteria: ACMG Guidelines, 2015. Collection method: clinical testing. Allele origin: germline.
Comment: The INSL3 c.116T>G variant is predicted to result in the amino acid substitution p.Val39Gly. This variant has been reported in an individual with cryptorchidism; however, the variant was not found in the affected cousins and functional studies did not show a significant difference in protein binding or cAMP signaling compared to wild-type (Feng et al. 2009. PubMed ID: 19416188). This variant is reported in 0.13% of alleles in individuals of Latino descent in gnomAD. At this time, the clinical significance of this variant is uncertain due to the absence of conclusive functional and genetic evidence.

NM_005543.4(INSL3):c.116T>G (p.Val39Gly)

Gene: INSL3 (insulin like 3; minus strand). Cytogenetic location: 19p13.11.
Variant type: single nucleotide variant.
Coding change: c.116T>G on transcript NM_005543.4 (MANE Select); coding-DNA position 116, T replaced by G.
Protein change: p.Val39Gly; replaces valine 39 with glycine.
Molecular consequence: missense variant.
Genome position (GRCh38, 1-based): chr19:17,821,391, A>C on the plus strand (T>G on the coding strand, the complement: INSL3 is on the minus strand). VCF-style: chr19-17821391-A-C. GRCh37 (hg19) VCF-style: chr19-17932200-A-C.
Other names: c.116T>G, p.Val39Gly (NM_001265587.2); short protein forms V39G.
Identifiers: ClinVar variation 4988201 (VCV004988201.1).